The following is an entry in ClinVar:

NM_006662.3(SRCAP):c.7091C>T (p.Pro2364Leu)

Gene: SRCAP (Snf2 related CREBBP activator protein; plus strand). Cytogenetic location: 16p11.2.
Variant type: single nucleotide variant.
Coding change: c.7091C>T on transcript NM_006662.3 (MANE Select); coding-DNA position 7091, C replaced by T.
Protein change: p.Pro2364Leu; replaces proline 2364 with leucine.
Molecular consequence: missense variant.
Genome position (GRCh38, 1-based): chr16:30,737,131, C>T. VCF-style: chr16-30737131-C-T. GRCh37 (hg19) VCF-style: chr16-30748452-C-T.
Other names: short protein forms P2364L.
Identifiers: ClinVar variation 1375788 (VCV001375788.6), dbSNP rs1189389984, ClinGen allele CA395632113.

ClinVar aggregate classification (germline): Uncertain significance (1 of 4 stars; one submission).

Allele frequency attached by ClinVar (database versions not stated): TOPMed below 0.00001; gnomAD exomes 0.00001.
gnomAD v4.1: 11 of 1,613,596 alleles (0.00068%); highest among the groups gnomAD compares: Non-Finnish European, 0.00085%; no homozygotes.

Submission:

Labcorp Genetics (formerly Invitae), Labcorp
Classification: Uncertain significance. Last evaluated: 2023-12-11. Review status: criteria provided, single submitter. Criteria: Invitae Variant Classification Sherloc (09022015). Collection method: clinical testing. Allele origin: germline.
Comment: This sequence change replaces proline, which is neutral and non-polar, with leucine, which is neutral and non-polar, at codon 2364 of the SRCAP protein (p.Pro2364Leu). This variant is not present in population databases (gnomAD no frequency). This variant has not been reported in the literature in individuals affected with SRCAP-related conditions. ClinVar contains an entry for this variant (Variation ID: 1375788). Advanced modeling of protein sequence and biophysical properties (such as structural, functional, and spatial information, amino acid conservation, physicochemical variation, residue mobility, and thermodynamic stability) performed at Invitae indicates that this missense variant is not expected to disrupt SRCAP protein function with a negative predictive value of 80%. In summary, the available evidence is currently insufficient to determine the role of this variant in disease. Therefore, it has been classified as a Variant of Uncertain Significance.